The following is an entry in ClinVar:

NM_002180.3(IGHMBP2):c.2897G>A (p.Arg966Lys)

Gene: IGHMBP2 (immunoglobulin mu DNA binding protein 2; plus strand). Cytogenetic location: 11q13.3.
Variant type: single nucleotide variant.
Coding change: c.2897G>A on transcript NM_002180.3 (MANE Select); coding-DNA position 2897, G replaced by A.
Protein change: p.Arg966Lys; replaces arginine 966 with lysine.
Molecular consequence: missense variant.
Genome position (GRCh38, 1-based): chr11:68,939,646, G>A. VCF-style: chr11-68939646-G-A. GRCh37 (hg19) VCF-style: chr11-68707114-G-A.
Other names: short protein forms R966K.
Identifiers: ClinVar variation 1043773 (VCV001043773.6), dbSNP rs1361120114, ClinGen allele CA381655009.

ClinVar aggregate classification (germline): Uncertain significance (1 of 4 stars; one submission).

Conditions:
Autosomal recessive distal spinal muscular atrophy 1. Also called: SEVERE INFANTILE AXONAL NEUROPATHY WITH RESPIRATORY FAILURE; Spinal muscular atrophy with respiratory distress 1; HMN VI; NEURONOPATHY, SEVERE INFANTILE AXONAL, WITH RESPIRATORY FAILURE; SPINAL MUSCULAR ATROPHY, DIAPHRAGMATIC; NEURONOPATHY, DISTAL HEREDITARY MOTOR, HARDING TYPE VI. Identifiers: Orphanet 98920, MedGen C1858517, MONDO:0011436, OMIM 604320.
Charcot-Marie-Tooth disease axonal type 2S. Also called: CHARCOT-MARIE-TOOTH NEUROPATHY, TYPE 2S; CHARCOT-MARIE-TOOTH DISEASE, AXONAL, AUTOSOMAL RECESSIVE, TYPE 2S. Identifiers: Orphanet 443073, MedGen C4015349, MONDO:0014511, OMIM 616155.

Allele frequency attached by ClinVar (database versions not stated): gnomAD 0.00001; gnomAD exomes 0.00001; TOPMed 0.00001.

Submission:

Labcorp Genetics (formerly Invitae), Labcorp
Classification: Uncertain significance for Autosomal recessive distal spinal muscular atrophy 1; Charcot-Marie-Tooth disease axonal type 2S. Last evaluated: 2022-10-13. Review status: criteria provided, single submitter. Criteria: Invitae Variant Classification Sherloc (09022015). Collection method: clinical testing. Allele origin: germline.
Comment: This sequence change replaces arginine, which is basic and polar, with lysine, which is basic and polar, at codon 966 of the IGHMBP2 protein (p.Arg966Lys). This variant is not present in population databases (gnomAD no frequency). This variant has not been reported in the literature in individuals affected with IGHMBP2-related conditions. ClinVar contains an entry for this variant (Variation ID: 1043773). Advanced modeling of protein sequence and biophysical properties (such as structural, functional, and spatial information, amino acid conservation, physicochemical variation, residue mobility, and thermodynamic stability) performed at Invitae indicates that this missense variant is not expected to disrupt IGHMBP2 protein function. In summary, the available evidence is currently insufficient to determine the role of this variant in disease. Therefore, it has been classified as a Variant of Uncertain Significance.